The following is an entry in ClinVar:

ClinVar aggregate classification (germline): Uncertain significance (1 of 4 stars; one submission).

Conditions:
Peroxisome biogenesis disorder 5A (Zellweger) (PBD5A). Identifiers: Orphanet 912, MedGen C3553940, MONDO:0013932, OMIM 614866.

Allele frequency attached by ClinVar (database versions not stated): gnomAD exomes below 0.00001; TOPMed below 0.00001; ExAC 0.00001.
gnomAD v4.1: 5 of 1,613,964 alleles (0.00031%); highest among the groups gnomAD compares: African/African-American, 0.0013%; no homozygotes.

Submission:

Labcorp Genetics (formerly Invitae), Labcorp
Classification: Uncertain significance for Peroxisome biogenesis disorder 5A (Zellweger). Last evaluated: 2022-08-12. Review status: criteria provided, single submitter. Criteria: Invitae Variant Classification Sherloc (09022015). Collection method: clinical testing. Allele origin: germline.
Comment: This sequence change replaces alanine, which is neutral and non-polar, with aspartic acid, which is acidic and polar, at codon 2 of the PEX2 protein (p.Ala2Asp). This variant is present in population databases (rs751405090, gnomAD 0.002%). This variant has not been reported in the literature in individuals affected with PEX2-related conditions. Algorithms developed to predict the effect of missense changes on protein structure and function are either unavailable or do not agree on the potential impact of this missense change (SIFT: "Deleterious"; PolyPhen-2: "Benign"; Align-GVGD: "Class C0"). In summary, the available evidence is currently insufficient to determine the role of this variant in disease. Therefore, it has been classified as a Variant of Uncertain Significance.

NM_000318.3(PEX2):c.5C>A (p.Ala2Asp)

Gene: PEX2 (peroxisomal biogenesis factor 2; minus strand). Cytogenetic location: 8q21.13.
Variant type: single nucleotide variant.
Coding change: c.5C>A on transcript NM_000318.3 (MANE Select); coding-DNA position 5, C replaced by A.
Protein change: p.Ala2Asp; replaces alanine 2 with aspartic acid.
Molecular consequence: missense variant.
Genome position (GRCh38, 1-based): chr8:76,984,174, G>T on the plus strand (C>A on the coding strand, the complement: PEX2 is on the minus strand). VCF-style: chr8-76984174-G-T. GRCh37 (hg19) VCF-style: chr8-77896410-G-T.
Other names: c.5C>A, p.Ala2Asp (NM_001079867.2, NM_001172086.2, NM_001172087.2); short protein forms A2D.
Identifiers: ClinVar variation 1896982 (VCV001896982.2), dbSNP rs751405090, ClinGen allele CA4788784.